The following is an entry in ClinVar:

NM_000061.3(BTK):c.862C>T (p.Arg288Trp)

Gene: BTK (Bruton tyrosine kinase; minus strand). Cytogenetic location: Xq22.1.
Variant type: single nucleotide variant.
Coding change: c.862C>T on transcript NM_000061.3 (MANE Select); coding-DNA position 862, C replaced by T.
Protein change: p.Arg288Trp; replaces arginine 288 with tryptophan.
Molecular consequence: missense variant.
Genome position (GRCh38, 1-based): chrX:101,359,325, G>A on the plus strand (C>T on the coding strand, the complement: BTK is on the minus strand). VCF-style: chrX-101359325-G-A. GRCh37 (hg19) VCF-style: chrX-100614313-G-A.
Other names: c.964C>T, p.Arg322Trp (NM_001287344.2); c.862C>T, p.Arg288Trp (NM_001287345.2); short protein forms R288W, R322W.
Identifiers: ClinVar variation 11366 (VCV000011366.19), dbSNP rs128621194, ClinGen allele CA255812.

ClinVar aggregate classification (germline): Pathogenic/Likely pathogenic. Review status: criteria provided, multiple submitters, no conflicts (2 of 4 stars). 7 submissions from 7 submitters: Pathogenic (3); Likely pathogenic (1). 3 of the submissions do not count toward it. Last evaluated 2025-05-08.

Conditions:
BTK-related disorder. Also called: BTK-related condition.
X-linked agammaglobulinemia with growth hormone deficiency (IGHD3). Also called: Isolated growth hormone deficiency type 3; Growth hormone deficiency with hypogammaglobulinemia; FLEISHER SYNDROME; HYPOGAMMAGLOBULINEMIA AND ISOLATED GROWTH HORMONE DEFICIENCY, X-LINKED; IGHD III; ISOLATED GROWTH HORMONE DEFICIENCY, TYPE III, WITH AGAMMAGLOBULINEMIA. Identifiers: Orphanet 231692, Orphanet 631, MedGen C0472813, MONDO:0010615, OMIM 307200.
X-linked agammaglobulinemia (XLA). Also called: Agammaglobulinemia, Bruton tyrosine kinase; Agammaglobulinemia, BTK; BTK-deficiency; Bruton's agammaglobulinemia; IMMUNODEFICIENCY 1; AGAMMAGLOBULINEMIA, X-LINKED, TYPE 1. Identifiers: Orphanet 229717, Orphanet 47, MedGen C0221026, MONDO:0010421, OMIM 300755.

Submissions (7):

Labcorp Genetics (formerly Invitae), Labcorp
Classification: Pathogenic for X-linked agammaglobulinemia with growth hormone deficiency. Last evaluated: 2025-05-08. Review status: criteria provided, single submitter. Criteria: Invitae Variant Classification Sherloc (09022015). Collection method: clinical testing. Allele origin: germline.
Comment: This sequence change replaces arginine, which is basic and polar, with tryptophan, which is neutral and slightly polar, at codon 288 of the BTK protein (p.Arg288Trp). This variant is not present in population databases (gnomAD no frequency). This missense change has been observed in individuals with X-linked agammaglobulinemia (PMID: 14974089, 15112668, 17765309). It has also been observed to segregate with disease in related individuals. ClinVar contains an entry for this variant (Variation ID: 11366). Invitae Evidence Modeling of protein sequence and biophysical properties (such as structural, functional, and spatial information, amino acid conservation, physicochemical variation, residue mobility, and thermodynamic stability) indicates that this missense variant is expected to disrupt BTK protein function with a positive predictive value of 95%. Experimental studies have shown that this missense change affects BTK function (PMID: 11206059). This variant disrupts the p.Arg288 amino acid residue in BTK. Other variant(s) that disrupt this residue have been determined to be pathogenic (PMID: 9545398, 12217331, 15661032). This suggests that this residue is clinically significant, and that variants that disrupt this residue are likely to be disease-causing. For these reasons, this variant has been classified as Pathogenic.

Blueprint Genetics
Classification: Pathogenic for BTK-related disorders. Last evaluated: 2024-09-24. Review status: criteria provided, single submitter. Criteria: ACMG Guidelines, 2015. Collection method: clinical testing. Allele origin: germline. Affected: yes. Observed: 1 variant allele.

3billion
Classification: Pathogenic for X-linked agammaglobulinemia. Last evaluated: 2022-01-03. Review status: criteria provided, single submitter. Criteria: ACMG Guidelines, 2015. Collection method: clinical testing. Allele origin: germline. Affected: yes. Observed: 1 hemizygote.
Comment: Same nucleotide change resulting in same amino acid change has been previously reported as pathogenic/likely pathogenic with strong evidence (ClinVar ID: VCV000011366, PMID:8162056, PS1_S). The variant has been observed in multiple (>3) similarly affected unrelated individuals(PMID: 15112668, 17765309, 14974089, PS4_S). A different missense change at the same codon has been reported as pathogenic/likely pathogenic with strong evidence (ClinVar ID: VCV000492813, PMID:9545398, PM5_M). In silico tool predictions suggest damaging effect of the variant on gene or gene product (REVEL: 0.915, PP3_P). It is not observed in the gnomAD v2.1.1 dataset (PM2_M). Therefore, this variant is classified as pathogenic according to the recommendation of ACMG/AMP guideline.

Center for Genomics, Ann and Robert H. Lurie Children's Hospital of Chicago
Classification: Likely pathogenic for X-linked agammaglobulinemia; X-linked agammaglobulinemia with growth hormone deficiency. Review status: criteria provided, single submitter. Criteria: ACMG Guidelines, 2015. Collection method: clinical testing. Allele origin: germline.
Comment: BTK NM_000061.2 exon 10 p.Arg288Trp (c.862C>T): This variant has been reported in the literature in at least 3 individuals with X-linked agammaglobulinemia (XLA), segregating with disease in at least 5 affected family members (Mensink 1984 PMID:6595200, deWeers 1994 PMID:8162018, Bradley 1998 PMID:8162056, Kanegane 2001 PMID:11742281, Lopez-Herrera 2008 PMID:17765309). However, individuals from 1 family exhibited significant clinical and immunological heterogenity (Mensink 1984 PMID:6595200, deWeers 1994 PMID:8162018, Bradley 1998 PMID:8162056). This variant is not present in large control databases. This variant is present in ClinVar (Variation ID:11366). Evolutionary conservation and computational predictive tools suggest that this variant may impact the protein. In addition, functional studies also predict that this variant will impact the protein (Tzeng 2000 PMID:11206059, Lopez-Herrera 2008 PMID:17765309). Of note, a different variant at this same codon (p.Arg288Gln) has been reported in the literature in individuals with disease, supporting that this region has significance. In summary, data on this variant is highly suspicious for disease, but requires further evidence for pathogenicity. Therefore, this variant classified as likely pathogenic.

OMIM
Classification: Pathogenic for AGAMMAGLOBULINEMIA, X-LINKED. Last evaluated: 2018-10-29. Review status: no assertion criteria provided. Collection method: literature only. Allele origin: germline. Not counted in ClinVar's aggregate classification.

Genome Diagnostics Laboratory, University Medical Center Utrecht
Classification: Pathogenic. Review status: no assertion criteria provided. Collection method: clinical testing. Allele origin: germline. Affected: yes. Study: VKGL Data-share Consensus. Not counted in ClinVar's aggregate classification.

Joint Genome Diagnostic Labs from Nijmegen and Maastricht, Radboudumc and MUMC+
Classification: Pathogenic. Review status: no assertion criteria provided. Collection method: clinical testing. Allele origin: germline. Affected: yes. Study: VKGL Data-share Consensus. Not counted in ClinVar's aggregate classification.

Literature cited by the submitters: PubMed 14974089 (cited by Labcorp Genetics (formerly Invitae), Labcorp and 3billion); PubMed 15112668 (cited by Labcorp Genetics (formerly Invitae), Labcorp and 3billion); PubMed 17765309 (cited by Labcorp Genetics (formerly Invitae), Labcorp and 3billion); PubMed 11206059 (cited by Labcorp Genetics (formerly Invitae), Labcorp); PubMed 9545398 (cited by Labcorp Genetics (formerly Invitae), Labcorp and 3billion); PubMed 12217331 (cited by Labcorp Genetics (formerly Invitae), Labcorp); PubMed 15661032 (cited by Labcorp Genetics (formerly Invitae), Labcorp); PubMed 8162056 (cited by 3billion); PubMed 7678697 (cited by OMIM).